The following is an entry in ClinVar:

NM_182641.4(BPTF):c.6453A>G (p.Gln2151=)

Gene: BPTF (bromodomain PHD finger transcription factor; plus strand). Cytogenetic location: 17q24.2.
Variant type: single nucleotide variant.
Coding change: c.6453A>G on transcript NM_182641.4 (MANE Select); coding-DNA position 6453, A replaced by G.
Protein change: p.Gln2151=; no amino-acid change (glutamine 2151 retained).
Molecular consequence: synonymous variant.
Genome position (GRCh38, 1-based): chr17:67,940,632, A>G. VCF-style: chr17-67940632-A-G. GRCh37 (hg19) VCF-style: chr17-65936748-A-G.
Other names: c.6831A>G, p.Gln2277= (NM_004459.7); c.6453A>G (NM_182641.3).
Identifiers: ClinVar variation 2152856 (VCV002152856.6), dbSNP rs142960950, ClinGen allele CA8726201.

ClinVar aggregate classification (germline): Likely benign. Review status: criteria provided, single submitter (1 of 4 stars). 2 submissions from 2 submitters: Likely benign (1). 1 of the submissions does not count toward it. Last evaluated 2025-09-02.

Conditions:
BPTF-related disorder. Also called: BPTF-related condition.

Allele frequency attached by ClinVar (database versions not stated): gnomAD exomes 0.00001; ExAC 0.00002; ESP Exome Variant Server 0.00008; gnomAD 0.00012; TOPMed 0.00036; 1000 Genomes Project 0.00040; 1000 Genomes Project 30x 0.00062.
gnomAD v4.1: 35 of 1,614,126 alleles (0.0022%); highest among the groups gnomAD compares: Admixed American, 0.045%; no homozygotes.

Submissions (2):

Labcorp Genetics (formerly Invitae), Labcorp
Classification: Likely benign. Last evaluated: 2025-09-02. Review status: criteria provided, single submitter. Criteria: Invitae Variant Classification Sherloc (09022015). Collection method: clinical testing. Allele origin: germline.

PreventionGenetics, part of Exact Sciences
Classification: Likely benign for BPTF-related condition. Last evaluated: 2023-09-29. Review status: no assertion criteria provided. Collection method: clinical testing. Allele origin: germline. Not counted in ClinVar's aggregate classification.
Comment: This variant is classified as likely benign based on ACMG/AMP sequence variant interpretation guidelines (Richards et al. 2015 PMID: 25741868, with internal and published modifications).